The following is an entry in ClinVar:

ClinVar aggregate classification (germline): Pathogenic (1 of 4 stars; one submission).

Submission:

GeneDx
Classification: Pathogenic. Last evaluated: 2023-04-27. Review status: criteria provided, single submitter. Criteria: GeneDx Variant Classification Process June 2021. Collection method: clinical testing. Allele origin: germline. Affected: yes.
Comment: Canonical splice site variant predicted to result in a null allele in a gene for which loss of function is a known mechanism of disease; Observed in a patient with WDR45-related neurodegeneration in published literature (Adang et al., 2020); Not observed at significant frequency in large population cohorts (gnomAD); This variant is associated with the following publications: (PMID: 32387008)

NM_001029896.2(WDR45):c.516+2T>C

Gene: WDR45 (WD repeat domain 45; minus strand). Cytogenetic location: Xp11.23.
Variant type: single nucleotide variant.
Coding change: c.516+2T>C on transcript NM_001029896.2 (MANE Select); the canonical splice donor site of the intron after coding-DNA position 516, T replaced by C.
Molecular consequence: splice donor variant.
Genome position (GRCh38, 1-based): chrX:49,075,864, A>G on the plus strand (T>C on the coding strand, the complement: WDR45 is on the minus strand). VCF-style: chrX-49075864-A-G. GRCh37 (hg19) VCF-style: chrX-48933523-A-G.
Other names: c.519+2T>C (NM_007075.4).
Identifiers: ClinVar variation 2500674 (VCV002500674.1), dbSNP rs2520262068, ClinGen allele CA412945056.